The following is an entry in ClinVar:

ClinVar aggregate classification (germline): Uncertain significance (1 of 4 stars; one submission).

Conditions:
Hereditary cancer-predisposing syndrome. Also called: Neoplastic Syndromes, Hereditary; Tumor predisposition; Hereditary Cancer Syndrome; Hereditary neoplastic syndrome. Identifiers: Orphanet 140162, MedGen C0027672, MeSH D009386, MONDO:0015356.

Submission:

Ambry Genetics
Classification: Uncertain significance for Hereditary cancer-predisposing syndrome. Last evaluated: 2025-07-11. Review status: criteria provided, single submitter. Criteria: Ambry Variant Classification Scheme 2023. Collection method: clinical testing. Allele origin: germline.
Comment: The p.C1190S variant (also known as c.3568T>A), located in coding exon 19 of the BRIP1 gene, results from a T to A substitution at nucleotide position 3568. The cysteine at codon 1190 is replaced by serine, an amino acid with dissimilar properties. This amino acid position is not well conserved in available vertebrate species. In addition, this alteration is predicted to be tolerated by in silico analysis. Since supporting evidence is limited at this time, the clinical significance of this alteration remains unclear.

NM_032043.3(BRIP1):c.3568T>A (p.Cys1190Ser)

Gene: BRIP1 (BRCA1 interacting DNA helicase 1; minus strand). Cytogenetic location: 17q23.2.
Variant type: single nucleotide variant.
Coding change: c.3568T>A on transcript NM_032043.3 (MANE Select); coding-DNA position 3568, T replaced by A.
Protein change: p.Cys1190Ser; replaces cysteine 1190 with serine.
Molecular consequence: missense variant.
Genome position (GRCh38, 1-based): chr17:61,683,478, A>T on the plus strand (T>A on the coding strand, the complement: BRIP1 is on the minus strand). VCF-style: chr17-61683478-A-T. GRCh37 (hg19) VCF-style: chr17-59760839-A-T.
Other names: short protein forms C1190S.
Identifiers: ClinVar variation 1732759 (VCV001732759.3), dbSNP rs2144071555, ClinGen allele CA400478226.